The following is an entry in ClinVar:

ClinVar aggregate classification (germline): Uncertain significance. Review status: criteria provided, multiple submitters, no conflicts (2 of 4 stars). 2 submissions from 2 submitters: Uncertain significance (2). Last evaluated 2025-01-28.

Allele frequency attached by ClinVar (database versions not stated): gnomAD exomes 0.00002; gnomAD 0.00007; TOPMed 0.00008.
gnomAD v4.1: 34 of 1,607,646 alleles (0.0021%); highest among the groups gnomAD compares: African/African-American, 0.023%; no homozygotes.

Submissions (2):

Labcorp Genetics (formerly Invitae), Labcorp
Classification: Uncertain significance. Last evaluated: 2025-01-28. Review status: criteria provided, single submitter. Criteria: Invitae Variant Classification Sherloc (09022015). Collection method: clinical testing. Allele origin: germline.
Comment: This sequence change replaces arginine, which is basic and polar, with cysteine, which is neutral and slightly polar, at codon 486 of the LZTS1 protein (p.Arg486Cys). This variant is present in population databases (rs772213928, gnomAD 0.02%). This variant has not been reported in the literature in individuals affected with LZTS1-related conditions. ClinVar contains an entry for this variant (Variation ID: 1978906). Invitae Evidence Modeling of protein sequence and biophysical properties (such as structural, functional, and spatial information, amino acid conservation, physicochemical variation, residue mobility, and thermodynamic stability) indicates that this missense variant is not expected to disrupt LZTS1 protein function with a negative predictive value of 80%. In summary, the available evidence is currently insufficient to determine the role of this variant in disease. Therefore, it has been classified as a Variant of Uncertain Significance.

Ambry Genetics
Classification: Uncertain significance. Last evaluated: 2024-05-30. Review status: criteria provided, single submitter. Criteria: Ambry Variant Classification Scheme 2023. Collection method: clinical testing. Allele origin: germline.

NM_021020.5(LZTS1):c.1456C>T (p.Arg486Cys)

Gene: LZTS1 (leucine zipper tumor suppressor 1; minus strand). Cytogenetic location: 8p21.3.
Variant type: single nucleotide variant.
Coding change: c.1456C>T on transcript NM_021020.5 (MANE Select); coding-DNA position 1456, C replaced by T.
Protein change: p.Arg486Cys; replaces arginine 486 with cysteine.
Molecular consequence: missense variant.
Genome position (GRCh38, 1-based): chr8:20,250,057, G>A on the plus strand (C>T on the coding strand, the complement: LZTS1 is on the minus strand). VCF-style: chr8-20250057-G-A. GRCh37 (hg19) VCF-style: chr8-20107568-G-A.
Other names: c.1456C>T, p.Arg486Cys (NM_001362884.2); c.1456C>T (NM_021020.2); short protein forms R486C.
Identifiers: ClinVar variation 1978906 (VCV001978906.5), dbSNP rs772213928, ClinGen allele CA4657271.
Genomic context (GRCh38, chr8:20,250,057, plus strand): 5'-GCTCCAGCTCCCGCTGCAGGGCAGGGACGTCCTCGGGGAAGGTGGGCGGCCCCATGTCGC[G>A]GGCCAGGGCGGCCTGGGCCCGCAGCTCCTGCAGCTCCTGCTCCAGCAGGTTCACCTTCTC-3'
Protein context (NP_066300.1, residues 476-496): QELRAQAALA[Arg486Cys]DMGPPTFPED